The following is an entry in ClinVar:

NM_001190274.2(FBXO11):c.1633A>G (p.Asn545Asp)

Gene: FBXO11 (F-box protein 11; minus strand). Cytogenetic location: 2p16.3.
Variant type: single nucleotide variant.
Coding change: c.1633A>G on transcript NM_001190274.2 (MANE Select); coding-DNA position 1633, A replaced by G.
Protein change: p.Asn545Asp; replaces asparagine 545 with aspartic acid.
Molecular consequence: missense variant.
Genome position (GRCh38, 1-based): chr2:47,822,287, T>C on the plus strand (A>G on the coding strand, the complement: FBXO11 is on the minus strand). VCF-style: chr2-47822287-T-C. GRCh37 (hg19) VCF-style: chr2-48049426-T-C.
Other names: c.1381A>G, p.Asn461Asp (NM_001374325.1, NM_025133.4); short protein forms N461D, N545D.
Identifiers: ClinVar variation 5002697 (VCV005002697.1).

ClinVar aggregate classification (germline): Uncertain significance (1 of 4 stars; one submission).

Conditions:
Intellectual developmental disorder with dysmorphic facies and behavioral abnormalities. Identifiers: MedGen C4748135, MONDO:0060760, OMIM 618089.

Submission:

OLLIN Analises Genomicas, OLLIN
Classification: Uncertain significance for Intellectual developmental disorder with dysmorphic facies and behavioral abnormalities. Last evaluated: 2026-08-06. Review status: criteria provided, single submitter. Criteria: ACMG Guidelines 2015 PMID 25741868. Collection method: clinical testing. Allele origin: germline. Inheritance: Autosomal dominant inheritance.
Comment: This missense variant, located in exon 13 (of 23), is absent from gnomAD and ClinVar and has not been identified in the literature. In silico analysis is inconclusive regarding the impact of this variant. This variant is located in a region considered to be a mutational hotspot. This gene is constrained for missense variation. According to the currently available evidence, this variant has been classified as uncertain significance (PM1, PM2_P, PP2).